The following is an entry in ClinVar:

NM_019109.5(ALG1):c.1306C>T (p.Gln436Ter)

Genes: ALG1 (ALG1 chitobiosyldiphosphodolichol beta-mannosyltransferase; plus strand), EEF2KMT (eukaryotic elongation factor 2 lysine methyltransferase; minus strand). Cytogenetic location: 16p13.3.
Variant type: single nucleotide variant.
Coding change: c.1306C>T on transcript NM_019109.5 (MANE Select); coding-DNA position 1306, C replaced by T.
Protein change: p.Gln436Ter; replaces glutamine 436 with a stop codon.
Molecular consequence: nonsense. On other transcripts: 3 prime UTR variant (3).
Genome position (GRCh38, 1-based): chr16:5,084,792, C>T. VCF-style: chr16-5084792-C-T. GRCh37 (hg19) VCF-style: chr16-5134793-C-T.
Other names: c.*840G>A (NM_001289029.2, NM_201400.4, NM_201598.4); c.973C>T, p.Gln325Ter (NM_001330504.2); short protein forms Q325*, Q436*.
Identifiers: ClinVar variation 1184361 (VCV001184361.7), dbSNP rs1261895166, ClinGen allele CA394674882.

ClinVar aggregate classification (germline): Conflicting classifications of pathogenicity. Review status: criteria provided, conflicting classifications (1 of 4 stars). 2 submissions from 2 submitters: Pathogenic (1); Uncertain significance (1). Last evaluated 2023-04-10.

Conditions:
ALG1-congenital disorder of glycosylation. Also called: CONGENITAL DISORDER OF GLYCOSYLATION, TYPE Ik; ALG1-CDG; CDG Ik. Identifiers: Orphanet 79327, MedGen C2931005, MONDO:0012052, OMIM 608540.

Allele frequency attached by ClinVar (database versions not stated): gnomAD exomes below 0.00001.
gnomAD v4.1: 3 of 1,596,438 alleles (0.00019%); no homozygotes.

Submissions (2):

Labcorp Genetics (formerly Invitae), Labcorp
Classification: Pathogenic for ALG1-congenital disorder of glycosylation. Last evaluated: 2023-04-10. Review status: criteria provided, single submitter. Criteria: Invitae Variant Classification Sherloc (09022015). Collection method: clinical testing. Allele origin: germline.
Comment: For these reasons, this variant has been classified as Pathogenic. This variant disrupts a region of the ALG1 protein in which other variant(s) (p.Arg438Trp) have been determined to be pathogenic (PMID: 20679665, 24157261, 26931382). This suggests that this is a clinically significant region of the protein, and that variants that disrupt it are likely to be disease-causing. ClinVar contains an entry for this variant (Variation ID: 1184361). This variant has not been reported in the literature in individuals affected with ALG1-related conditions. The frequency data for this variant in the population databases is considered unreliable, as metrics indicate poor data quality at this position in the gnomAD database. This sequence change creates a premature translational stop signal (p.Gln436*) in the ALG1 gene. While this is not anticipated to result in nonsense mediated decay, it is expected to disrupt the last 29 amino acid(s) of the ALG1 protein.

New York Genome Center
Classification: Uncertain significance for ALG1-congenital disorder of glycosylation. Last evaluated: 2020-07-03. Review status: criteria provided, single submitter. Criteria: NYGC Assertion Criteria 2020. Collection method: clinical testing. Allele origin: inherited. Observed: 1 heterozygote. Study: CSER-NYCKidSeq.

Literature cited by the submitters: PubMed 20679665 (cited by Labcorp Genetics (formerly Invitae), Labcorp); PubMed 24157261 (cited by Labcorp Genetics (formerly Invitae), Labcorp); PubMed 26931382 (cited by Labcorp Genetics (formerly Invitae), Labcorp).